The following is an entry in ClinVar:

ClinVar aggregate classification (germline): Uncertain significance. Review status: criteria provided, multiple submitters, no conflicts (2 of 4 stars). 3 submissions from 3 submitters: Uncertain significance (3). Last evaluated 2025-05-04.

Conditions:
Colorectal cancer. Also called: Colorectal cancer, somatic; Malignant Colorectal Neoplasm. Identifiers: MedGen C0346629, MONDO:0005575, OMIM 114500.
Hereditary cancer-predisposing syndrome. Also called: Hereditary neoplastic syndrome; Neoplastic Syndromes, Hereditary; Tumor predisposition; Hereditary Cancer Syndrome. Identifiers: Orphanet 140162, MedGen C0027672, MeSH D009386, MONDO:0015356.
Oligodontia-cancer predisposition syndrome. Also called: TOOTH AGENESIS-COLORECTAL CANCER SYNDROME. Identifiers: Orphanet 300576, MedGen C1837750, MONDO:0012075, OMIM 608615. Disease mechanism: loss of function.

Submissions (3):

Ambry Genetics
Classification: Uncertain significance for Hereditary cancer-predisposing syndrome. Last evaluated: 2025-05-04. Review status: criteria provided, single submitter. Criteria: Ambry Variant Classification Scheme 2023. Collection method: clinical testing. Allele origin: germline.
Comment: The c.1982_2008del27 variant (also known as p.H661_H669del) is located in coding exon 7 of the AXIN2 gene. This variant results from an in-frame ATCTGTGGGGGGGCAACAGCGGGCACC deletion at nucleotide positions 1982 to 2008. This results in the in-frame deletion of HLWGGNSGH at codons 661 through 669. This amino acid region is not well conserved in available vertebrate species. Since supporting evidence is limited at this time, the clinical significance of this alteration remains unclear.

Labcorp Genetics (formerly Invitae), Labcorp
Classification: Uncertain significance for Oligodontia-cancer predisposition syndrome. Last evaluated: 2024-05-14. Review status: criteria provided, single submitter. Criteria: Invitae Variant Classification Sherloc (09022015). Collection method: clinical testing. Allele origin: germline.
Comment: This variant, c.1982_2008del, results in the deletion of 9 amino acid(s) of the AXIN2 protein (p.His661_His669del), but otherwise preserves the integrity of the reading frame. This variant is not present in population databases (gnomAD no frequency). This variant has not been reported in the literature in individuals affected with AXIN2-related conditions. ClinVar contains an entry for this variant (Variation ID: 533222). Experimental studies and prediction algorithms are not available or were not evaluated, and the functional significance of this variant is currently unknown. In summary, the available evidence is currently insufficient to determine the role of this variant in disease. Therefore, it has been classified as a Variant of Uncertain Significance.

Baylor Genetics
Classification: Uncertain significance for Colorectal cancer. Last evaluated: 2024-03-30. Review status: criteria provided, single submitter. Criteria: ACMG Guidelines, 2015. Collection method: clinical testing. Allele origin: unknown.

NM_004655.4(AXIN2):c.1982_2008del (p.His661_His669del)

Gene: AXIN2 (axin 2; minus strand). Cytogenetic location: 17q24.1.
Variant type: Deletion.
Coding change: c.1982_2008del on transcript NM_004655.4 (MANE Select); coding-DNA positions 1982 to 2008, 27 bases deleted (ATCTGTGGGGGGGCAACAGCGGGCACC).
Protein change: p.His661_His669del.
Molecular consequence: inframe deletion.
Genome position (GRCh38, 1-based): chr17:65,536,453-65,536,479, GGTGCCCGCTGTTGCCCCCCCACAGAT deleted on the plus strand (ATCTGTGGGGGGGCAACAGCGGGCACC on the coding strand, the reverse complement: AXIN2 is on the minus strand); deleting any 27 consecutive bases within chr17:65,536,453-65,536,485 gives the same sequence; the c. name uses the placement nearest the transcript's 3' end. VCF-style (leftmost placement, unchanged base first): chr17-65536452-GGGTGCCCGCTGTTGCCCCCCCACAGAT-G. GRCh37 (hg19) VCF-style: chr17-63532570-GGGTGCCCGCTGTTGCCCCCCCACAGAT-G.
Other names: c.1787_1813del, p.His596_His604del (NM_001363813.1); c.1982_2008del (LRG_296t1).
Identifiers: ClinVar variation 533222 (VCV000533222.13), dbSNP rs1555577132, ClinGen allele CA658798953.